The following is an entry in ClinVar:

ClinVar aggregate classification (germline): Pathogenic (1 of 4 stars; one submission).

Conditions:
Breast-ovarian cancer, familial, susceptibility to, 2 (BROVCA2). Also called: BRCA2 Hereditary Breast and Ovarian Cancer. Identifiers: Orphanet 145, MedGen C2675520, MONDO:0012933, OMIM 612555. Disease mechanism: loss of function.

Submission:

Myriad Genetics, Inc.
Classification: Pathogenic for Breast-ovarian cancer, familial, susceptibility to, 2. Last evaluated: 2024-12-30. Review status: criteria provided, single submitter. Criteria: Myriad Autosomal Dominant, Autosomal Recessive and X-Linked Classification Criteria (2023). Collection method: clinical testing. Allele origin: unknown.
Comment: This variant is considered pathogenic. This variant creates a frameshift predicted to result in premature protein truncation.

NM_000059.4(BRCA2):c.7252dup (p.Arg2418fs)

Gene: BRCA2 (BRCA2 DNA repair associated; plus strand). Cytogenetic location: 13q13.1.
Variant type: Duplication.
Coding change: c.7252dup on transcript NM_000059.4 (MANE Select); coding-DNA position 7252, one base duplicated (A; older notation c.7252dupA).
Protein change: p.Arg2418fs; shifts the reading frame from arginine 2418.
Molecular consequence: frameshift variant. On other transcripts: non-coding transcript variant (1).
Genome position (GRCh38, 1-based): chr13:32,355,105, A duplicated. VCF-style (leftmost placement, unchanged base first): chr13-32355104-C-CA. GRCh37 (hg19) VCF-style: chr13-32929241-C-CA.
Other names: c.7156dup, p.Arg2386fs (NM_001406719.1); c.7252dup, p.Arg2418fs (NM_001406720.1, NM_001432077.1); c.2320dup, p.Arg774fs (NM_001406721.1); c.835dup, p.Arg279fs (NM_001406722.1); short protein forms R2386fs, R2418fs, R279fs, R774fs.
Identifiers: ClinVar variation 3904692 (VCV003904692.1).